The following is an entry in ClinVar:

ClinVar aggregate classification (germline): Benign. Review status: criteria provided, multiple submitters, no conflicts (2 of 4 stars). 4 submissions from 3 submitters: Benign (4). Last evaluated 2024-01-24.

Conditions:
Severe combined immunodeficiency due to DCLRE1C deficiency (RS-SCID). Also called: SCID, AUTOSOMAL RECESSIVE, T CELL-NEGATIVE, B CELL-NEGATIVE, NK CELL-POSITIVE, WITH SENSITIVITY TO IONIZING RADIATION. Identifiers: Orphanet 275, MedGen C1865371, MONDO:0011225, OMIM 602450.
Histiocytic medullary reticulosis. Also called: SEVERE COMBINED IMMUNODEFICIENCY WITH HYPEREOSINOPHILIA; Omenn syndrome. Identifiers: Orphanet 39041, MedGen C2700553, MONDO:0011338, OMIM 603554.

Allele frequency attached by ClinVar (database versions not stated): 1000 Genomes Project 0.10304; ExAC 0.19407; 1000 Genomes Project 30x 0.10212; gnomAD exomes 0.11087; gnomAD 0.08419 and 0.08810.
gnomAD v4.1: 66,383 of 701,600 alleles (9.5%); highest among the groups gnomAD compares: South Asian, 21%; 4,107 homozygotes.

Submissions (4):

Unidad de Genómica Garrahan, Hospital de Pediatría Garrahan
Classification: Benign. Last evaluated: 2024-01-24. Review status: criteria provided, single submitter. Criteria: ACMG Guidelines, 2015. Collection method: clinical testing. Allele origin: germline. Affected: no. Observed: 22 variant alleles.
Comment: This variant is classified as Benign based on local population frequency. This variant was detected in 23% of patients studied by a panel of primary immunodeficiencies. Number of patients: 22. Only high quality variants are reported.

Genome-Nilou Lab
Classification: Benign for Histiocytic medullary reticulosis. Last evaluated: 2021-07-30. Review status: criteria provided, single submitter. Criteria: ACMG Guidelines, 2015. Collection method: clinical testing. Allele origin: germline. Affected: no.

Genome-Nilou Lab
Classification: Benign for Severe combined immunodeficiency due to DCLRE1C deficiency. Last evaluated: 2021-07-30. Review status: criteria provided, single submitter. Criteria: ACMG Guidelines, 2015. Collection method: clinical testing. Allele origin: germline. Affected: no.

Breakthrough Genomics
Classification: Benign. Review status: criteria provided, single submitter. Criteria: ACMG Guidelines, 2015. Collection method: not provided. Allele origin: germline. Inheritance: Unknown mechanism. Affected: yes.

NM_001193424.2(SUV39H2):c.850-305C>T

Genes: DCLRE1C (DNA cross-link repair 1C; minus strand), SUV39H2 (SUV39H2 histone lysine methyltransferase; plus strand). Cytogenetic location: 10p13.
Variant type: single nucleotide variant.
Coding change: c.850-305C>T on transcript NM_001193424.2 (MANE Select); 305 bases into the intron before coding-DNA position 850, C replaced by T.
Molecular consequence: intron variant. On other transcripts: 3 prime UTR variant (3), non-coding transcript variant (1).
Genome position (GRCh38, 1-based): chr10:14,899,234, C>T. VCF-style: chr10-14899234-C-T. GRCh37 (hg19) VCF-style: chr10-14941233-C-T.
Other names: c.*16G>A (NM_001350965.2, NM_001350966.2, NM_001350967.2); c.670-305C>T (NM_024670.4, NM_001193425.2); c.130-305C>T (NM_001193427.2); c.310-305C>T (NM_001193426.2).
Identifiers: ClinVar variation 1255460 (VCV001255460.7), dbSNP rs60006238, ClinGen allele CA5416231.